The following is an entry in ClinVar:

NM_005188.4(CBL):c.421T>C (p.Tyr141His)

Gene: CBL (Cbl proto-oncogene; plus strand). Cytogenetic location: 11q23.3.
Variant type: single nucleotide variant.
Coding change: c.421T>C on transcript NM_005188.4 (MANE Select); coding-DNA position 421, T replaced by C.
Protein change: p.Tyr141His; replaces tyrosine 141 with histidine.
Molecular consequence: missense variant.
Genome position (GRCh38, 1-based): chr11:119,232,673, T>C. VCF-style: chr11-119232673-T-C. GRCh37 (hg19) VCF-style: chr11-119103383-T-C.
Other names: short protein forms Y141H.
Identifiers: ClinVar variation 2828660 (VCV002828660.3), dbSNP rs2496866283, ClinGen allele CA382895891.

ClinVar aggregate classification (germline): Uncertain significance (1 of 4 stars; one submission).

Conditions:
RASopathy. Also called: rasopathies; Noonan spectrum disorder. Identifiers: Orphanet 536391, MedGen C5555857, MONDO:0021060.

Submission:

Labcorp Genetics (formerly Invitae), Labcorp
Classification: Uncertain significance for RASopathy. Last evaluated: 2023-07-13. Review status: criteria provided, single submitter. Criteria: Invitae Variant Classification Sherloc (09022015). Collection method: clinical testing. Allele origin: germline.
Comment: In summary, the available evidence is currently insufficient to determine the role of this variant in disease. Therefore, it has been classified as a Variant of Uncertain Significance. Advanced modeling of protein sequence and biophysical properties (such as structural, functional, and spatial information, amino acid conservation, physicochemical variation, residue mobility, and thermodynamic stability) has been performed at Invitae for this missense variant, however the output from this modeling did not meet the statistical confidence thresholds required to predict the impact of this variant on CBL protein function. This variant has not been reported in the literature in individuals affected with CBL-related conditions. This variant is not present in population databases (gnomAD no frequency). This sequence change replaces tyrosine, which is neutral and polar, with histidine, which is basic and polar, at codon 141 of the CBL protein (p.Tyr141His).